The following is an entry in ClinVar:

NM_006767.4(LZTR1):c.1943-6C>A

Gene: LZTR1 (leucine zipper like post translational regulator 1; plus strand). Cytogenetic location: 22q11.21.
Variant type: single nucleotide variant.
Coding change: c.1943-6C>A on transcript NM_006767.4 (MANE Select); 6 bases into the intron before coding-DNA position 1943, C replaced by A.
Molecular consequence: intron variant.
Genome position (GRCh38, 1-based): chr22:20,995,740, C>A. VCF-style: chr22-20995740-C-A. GRCh37 (hg19) VCF-style: chr22-21350029-C-A.
Identifiers: ClinVar variation 997907 (VCV000997907.5), dbSNP rs757311430, ClinGen allele CA10119164.

ClinVar aggregate classification (germline): Uncertain significance. Review status: criteria provided, multiple submitters, no conflicts (2 of 4 stars). 3 submissions from 3 submitters: Uncertain significance (3). Last evaluated 2025-06-10.

Allele frequency attached by ClinVar (database versions not stated): gnomAD 0.00001; gnomAD exomes below 0.00001; TOPMed below 0.00001; ExAC 0.00001.
gnomAD v4.1: 11 of 1,613,338 alleles (0.00068%); highest among the groups gnomAD compares: Non-Finnish European, 0.00093%; no homozygotes.

Submissions (3):

Labcorp Genetics (formerly Invitae), Labcorp
Classification: Uncertain significance. Last evaluated: 2025-06-10. Review status: criteria provided, single submitter. Criteria: Invitae Variant Classification Sherloc (09022015). Collection method: clinical testing. Allele origin: germline.
Comment: This sequence change falls in intron 16 of the LZTR1 gene. It does not directly change the encoded amino acid sequence of the LZTR1 protein. This variant is not present in population databases (gnomAD no frequency). This variant has not been reported in the literature in individuals affected with LZTR1-related conditions. ClinVar contains an entry for this variant (Variation ID: 997907). Algorithms developed to predict the effect of sequence changes on RNA splicing suggest that this variant may disrupt the consensus splice site. In summary, the available evidence is currently insufficient to determine the role of this variant in disease. Therefore, it has been classified as a Variant of Uncertain Significance.

GeneDx
Classification: Uncertain significance. Last evaluated: 2025-03-26. Review status: criteria provided, single submitter. Criteria: GeneDx Variant Classification Process June 2021. Collection method: clinical testing. Allele origin: germline. Affected: yes.
Comment: Not observed at significant frequency in large population cohorts (gnomAD); Has not been previously published as pathogenic or benign to our knowledge; In silico analysis suggests this variant may impact gene splicing. In the absence of RNA/functional studies, the actual effect of this sequence change is unknown.

Women's Health and Genetics/Laboratory Corporation of America, LabCorp
Classification: Uncertain significance. Last evaluated: 2021-02-15. Review status: criteria provided, single submitter. Criteria: LabCorp Variant Classification Summary - May 2015. Collection method: clinical testing. Allele origin: germline.
Comment: Variant summary: LZTR1 c.1943-6C>A alters a non-conserved nucleotide located close to a canonical splice site and therefore could affect mRNA splicing, leading to a significantly altered protein sequence. 3/4 computational tools predict no significant impact on normal splicing. However, these predictions have yet to be confirmed by functional studies. The variant allele was found at a frequency of 4e-06 in 250936 control chromosomes (gnomAD). The available data on variant occurrences in the general population are insufficient to allow any conclusion about variant significance. To our knowledge, no occurrence of c.1943-6C>A in individuals affected with Noonan Syndrome and no experimental evidence demonstrating its impact on protein function have been reported. No clinical diagnostic laboratories have submitted clinical-significance assessments for this variant to ClinVar after 2014. Based on the evidence outlined above, the variant was classified as uncertain significance.